The following is an entry in ClinVar:

ClinVar aggregate classification (germline): Uncertain significance (1 of 4 stars; one submission).

Allele frequency attached by ClinVar (database versions not stated): gnomAD 0.00003; ExAC 0.00004; TOPMed 0.00005; ESP Exome Variant Server 0.00008.
gnomAD v4.1: 150 of 1,595,642 alleles (0.0094%); highest among the groups gnomAD compares: Non-Finnish European, 0.012%; no homozygotes.

Submission:

Labcorp Genetics (formerly Invitae), Labcorp
Classification: Uncertain significance. Last evaluated: 2023-07-17. Review status: criteria provided, single submitter. Criteria: Invitae Variant Classification Sherloc (09022015). Collection method: clinical testing. Allele origin: germline.
Comment: This sequence change falls in intron 2 of the MPDZ gene. It does not directly change the encoded amino acid sequence of the MPDZ protein. It affects a nucleotide within the consensus splice site. This variant is present in population databases (rs372215815, gnomAD 0.006%). This variant has not been reported in the literature in individuals affected with MPDZ-related conditions. ClinVar contains an entry for this variant (Variation ID: 2045501). Variants that disrupt the consensus splice site are a relatively common cause of aberrant splicing (PMID: 17576681, 9536098). Algorithms developed to predict the effect of sequence changes on RNA splicing suggest that this variant is not likely to affect RNA splicing. In summary, the available evidence is currently insufficient to determine the role of this variant in disease. Therefore, it has been classified as a Variant of Uncertain Significance.

Literature cited by the submitters: PubMed 17576681; PubMed 9536098.

NM_001378778.1(MPDZ):c.17-3T>C

Gene: MPDZ (multiple PDZ domain crumbs cell polarity complex component; minus strand). Cytogenetic location: 9p23.
Variant type: single nucleotide variant.
Coding change: c.17-3T>C on transcript NM_001378778.1 (MANE Select); 3 bases into the intron before coding-DNA position 17, T replaced by C.
Molecular consequence: intron variant.
Genome position (GRCh38, 1-based): chr9:13,247,804, A>G on the plus strand (T>C on the coding strand, the complement: MPDZ is on the minus strand). VCF-style: chr9-13247804-A-G. GRCh37 (hg19) VCF-style: chr9-13247803-A-G.
Other names: c.17-3T>C (NM_001375425.1, NM_001375420.1, NM_001375419.1 and 14 more transcripts).
Identifiers: ClinVar variation 2045501 (VCV002045501.2), dbSNP rs372215815, ClinGen allele CA4988269.
Genomic context (GRCh38, chr9:13,247,804, plus strand): 5'-CCACGTTCTCGCAGCTTGGTTTGCAAGCGCTCTGCTGCATGCAGGGCCCGATTTTTGTCT[A>G]TACCAAAGAGCAGCATTTGTCAATAACAGGATTCAAAGGACACATGTCCAGCCTAAGAGG-3'